The following is an entry in ClinVar:

NM_001267550.2(TTN):c.5534T>A (p.Leu1845Ter)

Gene: TTN (titin; minus strand). Cytogenetic location: 2q31.2.
Variant type: single nucleotide variant.
Coding change: c.5534T>A on transcript NM_001267550.2 (MANE Select); coding-DNA position 5534, T replaced by A.
Protein change: p.Leu1845Ter; replaces leucine 1845 with a stop codon.
Molecular consequence: nonsense.
Genome position (GRCh38, 1-based): chr2:178,776,330, A>T on the plus strand (T>A on the coding strand, the complement: TTN is on the minus strand). VCF-style: chr2-178776330-A-T. GRCh37 (hg19) VCF-style: chr2-179641057-A-T.
Other names: c.5534T>A, p.Leu1845Ter (NM_001256850.1, NM_133378.4, NM_133379.5); c.5396T>A, p.Leu1799Ter (NM_003319.4, NM_133432.3, NM_133437.4); short protein forms L1845*, L1799*.
Identifiers: ClinVar variation 2566382 (VCV002566382.3), dbSNP rs794729576, ClinGen allele CA349450892.

ClinVar aggregate classification (germline): Likely pathogenic (1 of 4 stars; one submission).

Conditions:
Cardiovascular phenotype. Identifiers: MedGen CN230736.

Submission:

Ambry Genetics
Classification: Likely pathogenic for Cardiovascular phenotype. Last evaluated: 2025-03-04. Review status: criteria provided, single submitter. Criteria: Ambry Variant Classification Scheme 2023. Collection method: clinical testing. Allele origin: germline.
Comment: The p.L1799* variant (also known as c.5396T>A), located in coding exon 26 of the TTN gene, results from a T to A substitution at nucleotide position 5396. This changes the amino acid from a leucine to a stop codon within coding exon 26. This exon is located in the near Z-disk/I-band region of the N2-B isoform of the titin protein and is constitutively expressed in TTN transcripts (percent spliced in or PSI 100%). This variant is considered to be rare based on population cohorts in the Genome Aggregation Database (gnomAD). This variant is expected to result in loss of function by premature protein truncation or nonsense-mediated mRNA decay. While truncating variants in TTN are present in 1-3% of the general population, truncating variants in the A-band are the most common cause of dilated cardiomyopathy (Herman DS et al. N. Engl. J. Med., 2012 Feb;366:619-28; Roberts AM et al. Sci Transl Med, 2015 Jan;7:270ra6). TTN truncating variants encoded in constitutive exons (PSI >90%) have been found to be significantly associated with DCM regardless of their position in titin (Schafer S et al. Nat. Genet., 2017 01;49:46-53; Akhtar MM et al. Circ Heart Fail, 2020 Oct;13:e006832; Massier M et al. Clin Genet, 2025 Jan). Based on the majority of available evidence to date, this variant is likely to be pathogenic.